The following is an entry in ClinVar:

ClinVar aggregate classification (germline): Uncertain significance (1 of 4 stars; one submission).

Conditions:
Developmental and epileptic encephalopathy, 33 (DEE33). Also called: Epileptic encephalopathy, early infantile, 33. Identifiers: Orphanet 442835, MedGen C4225337, MONDO:0014625, OMIM 616409.

Allele frequency attached by ClinVar (database versions not stated): gnomAD exomes below 0.00001.
gnomAD v4.1: 6 of 1,465,130 alleles (0.00041%); highest among the groups gnomAD compares: Non-Finnish European, 0.00045%; no homozygotes.

Submission:

Labcorp Genetics (formerly Invitae), Labcorp
Classification: Uncertain significance for Developmental and epileptic encephalopathy, 33. Last evaluated: 2022-05-17. Review status: criteria provided, single submitter. Criteria: Invitae Variant Classification Sherloc (09022015). Collection method: clinical testing. Allele origin: germline.
Comment: In summary, the available evidence is currently insufficient to determine the role of this variant in disease. Therefore, it has been classified as a Variant of Uncertain Significance. Algorithms developed to predict the effect of missense changes on protein structure and function are either unavailable or do not agree on the potential impact of this missense change (SIFT: "Not Available"; PolyPhen-2: "Benign"; Align-GVGD: "Not Available"). This variant has not been reported in the literature in individuals affected with EEF1A2-related conditions. The frequency data for this variant in the population databases is considered unreliable, as metrics indicate poor data quality at this position in the gnomAD database. This sequence change replaces valine, which is neutral and non-polar, with isoleucine, which is neutral and non-polar, at codon 451 of the EEF1A2 protein (p.Val451Ile).

NM_001958.5(EEF1A2):c.1351G>A (p.Val451Ile)

Gene: EEF1A2 (eukaryotic translation elongation factor 1 alpha 2; minus strand). Cytogenetic location: 20q13.33.
Variant type: single nucleotide variant.
Coding change: c.1351G>A on transcript NM_001958.5 (MANE Select); coding-DNA position 1351, G replaced by A.
Protein change: p.Val451Ile; replaces valine 451 with isoleucine.
Molecular consequence: missense variant.
Genome position (GRCh38, 1-based): chr20:63,488,339, C>T on the plus strand (G>A on the coding strand, the complement: EEF1A2 is on the minus strand). VCF-style: chr20-63488339-C-T. GRCh37 (hg19) VCF-style: chr20-62119692-C-T.
Other names: short protein forms V451I.
Identifiers: ClinVar variation 1941091 (VCV001941091.5), dbSNP rs1201131200, ClinGen allele CA409643120.